The following is an entry in ClinVar:

NM_005413.4(SIX3):c.105_125del (p.Asn36_Gly42del)

Gene: SIX3 (SIX homeobox 3; plus strand). Cytogenetic location: 2p21.
Variant type: Deletion.
Coding change: c.105_125del on transcript NM_005413.4 (MANE Select); coding-DNA positions 105 to 125, 21 bases deleted (GAACGGTGCGGGAGGCGGCGG).
Protein change: p.Asn36_Gly42del.
Genome position (GRCh38, 1-based): chr2:44,942,209-44,942,229, GAACGGTGCGGGAGGCGGCGG deleted; deleting any 21 consecutive bases within chr2:44,942,201-44,942,229 gives the same sequence; the c. name uses the placement nearest the transcript's 3' end. VCF-style (leftmost placement, unchanged base first): chr2-44942200-CGGCGGCGGGAACGGTGCGGGA-C. GRCh37 (hg19) VCF-style: chr2-45169339-CGGCGGCGGGAACGGTGCGGGA-C.
Identifiers: ClinVar variation 3361174 (VCV003361174.1).

ClinVar aggregate classification (germline): Uncertain significance (1 of 4 stars; one submission).

Submission:

GeneDx
Classification: Uncertain significance. Last evaluated: 2023-07-26. Review status: criteria provided, single submitter. Criteria: GeneDx Variant Classification Process June 2021. Collection method: clinical testing. Allele origin: germline. Affected: yes.
Comment: Not observed at significant frequency in large population cohorts (gnomAD); In-frame deletion of 7 amino acids in a non-repeat region; In silico analysis supports that this variant does not alter protein structure/function; Has not been previously published as pathogenic or benign to our knowledge